The following is an entry in ClinVar:

NM_001316979.2(ZBTB45):c.438T>A (p.Pro146=)

Gene: ZBTB45 (zinc finger and BTB domain containing 45; minus strand). Cytogenetic location: 19q13.43.
Variant type: single nucleotide variant.
Coding change: c.438T>A on transcript NM_001316979.2 (MANE Select); coding-DNA position 438, T replaced by A.
Protein change: p.Pro146=; no amino-acid change (proline 146 retained).
Molecular consequence: synonymous variant.
Genome position (GRCh38, 1-based): chr19:58,517,236, A>T on the plus strand (T>A on the coding strand, the complement: ZBTB45 is on the minus strand). VCF-style: chr19-58517236-A-T. GRCh37 (hg19) VCF-style: chr19-59028603-A-T.
Other names: c.438T>A, p.Pro146= (NM_001316978.2, NM_001316981.2, NM_001316982.2 and 1 more transcripts).
Identifiers: ClinVar variation 3357794 (VCV003357794.1).

ClinVar aggregate classification (germline): Likely benign (0 of 4 stars; one submission).

Conditions:
ZBTB45-related condition.

Submission:

PreventionGenetics, part of Exact Sciences
Classification: Likely benign for ZBTB45-related condition. Last evaluated: 2024-09-25. Review status: no assertion criteria provided. Collection method: clinical testing. Allele origin: germline.
Comment: This variant is classified as likely benign based on ACMG/AMP sequence variant interpretation guidelines (Richards et al. 2015 PMID: 25741868, with internal and published modifications).